The following is an entry in ClinVar:

NM_006514.4(SCN10A):c.3088-510A>G

Genes: SCN10A (sodium voltage-gated channel alpha subunit 10; minus strand), LOC110121288 (VISTA enhancer hs2268; plus strand). Cytogenetic location: 3p22.2.
Variant type: single nucleotide variant.
Coding change: c.3088-510A>G on transcript NM_006514.4 (MANE Select); 510 bases into the intron before coding-DNA position 3088, A replaced by G.
Molecular consequence: intron variant.
Genome position (GRCh38, 1-based): chr3:38,725,824, T>C on the plus strand (A>G on the coding strand, the complement: SCN10A is on the minus strand). VCF-style: chr3-38725824-T-C. GRCh37 (hg19) VCF-style: chr3-38767315-T-C.
Other names: c.2794-510A>G (NM_001293307.2); c.3088-513A>G (NM_001293306.2).
Identifiers: ClinVar variation 1165939 (VCV001165939.9), dbSNP rs6801957, ClinGen allele CA11403340.

ClinVar aggregate classification (germline): Benign. Review status: criteria provided, multiple submitters, no conflicts (2 of 4 stars). 2 submissions from 2 submitters: Benign (2). Last evaluated 2026-01-15.

Conditions:
Brugada syndrome. Also called: Sudden unexpected nocturnal death syndrome; Sudden Unexplained Death Syndrome; Sudden Unexplained Nocturnal Death Syndrome (SUNDS); Sudden unexplained nocturnal death syndrome. Identifiers: Orphanet 130, MedGen C1142166, MONDO:0015263.

Allele frequency attached by ClinVar (database versions not stated): gnomAD 0.66985 and 0.67159; TOPMed 0.68171; 1000 Genomes Project 0.71266; 1000 Genomes Project 30x 0.71674.
gnomAD v4.1: 101,757 of 152,200 alleles (67%); highest among the groups gnomAD compares: African/African-American, 84%; 35,019 homozygotes.

Submissions (2):

Labcorp Genetics (formerly Invitae), Labcorp
Classification: Benign for Brugada syndrome. Last evaluated: 2026-01-15. Review status: criteria provided, single submitter. Criteria: Invitae Variant Classification Sherloc (09022015). Collection method: clinical testing. Allele origin: germline.

GeneDx
Classification: Benign. Last evaluated: 2020-01-27. Review status: criteria provided, single submitter. Criteria: GeneDx Variant Classification Process June 2021. Collection method: clinical testing. Allele origin: germline. Affected: yes.
Comment: This variant is associated with the following publications: (PMID: 24642470, 22706305, 21076409, 29448912)